The following is an entry in ClinVar:

NM_001127464.1:c.8946_8948delCTC

Gene: ZNF469 (zinc finger protein 469; plus strand).
Variant type: Deletion.
Identifiers: ClinVar variation 4209217 (VCV004209217.1).

ClinVar aggregate classification (germline): Uncertain significance (1 of 4 stars; one submission).

Conditions:
Cardiovascular phenotype. Identifiers: MedGen CN230736.

Submission:

Ambry Genetics
Classification: Uncertain significance for Cardiovascular phenotype. Last evaluated: 2025-08-13. Review status: criteria provided, single submitter. Criteria: Ambry Variant Classification Scheme 2023. Collection method: clinical testing. Allele origin: germline.
Comment: The c.8946_8948delCTC variant (also known as p.S2984del) is located in coding exon 2 of the ZNF469 gene. This variant results from an in-frame CTC deletion at nucleotide positions 8946 to 8948. This results in the in-frame deletion of a serine at codon 2984. This amino acid position is not well conserved in available vertebrate species. In addition, the in silico prediction for this variant is inconclusive (Choi Y et al. PLoS ONE. 2012; 7(10):e46688). Based on the available evidence, the clinical significance of this variant remains unclear.